The following is an entry in ClinVar:

ClinVar aggregate classification (germline): Conflicting classifications of pathogenicity. Review status: criteria provided, conflicting classifications (1 of 4 stars). 3 submissions from 3 submitters: Uncertain significance (1); Likely benign (2). Last evaluated 2026-01-01.

Conditions:
Hearing loss, autosomal dominant 71. Also called: DEAFNESS, AUTOSOMAL DOMINANT 71. Identifiers: MedGen C4539881, MONDO:0033258, OMIM 617605.

Allele frequency attached by ClinVar (database versions not stated): gnomAD below 0.00001 and 0.00001; TOPMed 0.00002; gnomAD exomes 0.00005 and 0.00008; ExAC 0.00008.
gnomAD v4.1: 71 of 1,612,928 alleles (0.0044%); highest among the groups gnomAD compares: South Asian, 0.074%; 2 homozygotes.

Submissions (3):

CeGaT Center for Human Genetics Tuebingen
Classification: Likely benign. Last evaluated: 2026-01-01. Review status: criteria provided, single submitter. Criteria: CeGaT Center For Human Genetics Tuebingen Variant Classification Criteria Version 2. Collection method: clinical testing. Allele origin: germline. Affected: yes. Observed: 1 variant allele.
Comment: DMXL2: BS2

Labcorp Genetics (formerly Invitae), Labcorp
Classification: Likely benign. Last evaluated: 2024-09-14. Review status: criteria provided, single submitter. Criteria: Invitae Variant Classification Sherloc (09022015). Collection method: clinical testing. Allele origin: germline.

Foundation for Research in Genetics and Endocrinology, FRIGE's Institute of Human Genetics
Classification: Uncertain significance for Hearing loss, autosomal dominant 71. Last evaluated: 2020-04-22. Review status: criteria provided, single submitter. Criteria: ACMG Guidelines, 2015. Collection method: clinical testing. Allele origin: germline. Inheritance: Autosomal dominant inheritance. Affected: yes. Observed: 1 heterozygote.
Comment: A heterozygous missense variation in exon 24 of the DMXL2 gene that results in the amino acid substitution of Threonine for Alanine at codon 2083 was detected. The observed variant c.6247G>A (p.Ala2083Thr) has not been reported in the 1000 genomes and has a minor allele frequency of 0.007% in the ExAC database. The in silico prediction of the variant are possibly damaging by PolyPhen-2 (HumDiv) and damaging by SIFT, LRT and MutationTaster2. The reference codon is conserved across species. In summary, the variant meets our criteria to be classified as a variant of uncertain significance.

NM_001378457.1(DMXL2):c.6247G>A (p.Ala2083Thr)

Gene: DMXL2 (Dmx like 2; minus strand). Cytogenetic location: 15q21.2.
Variant type: single nucleotide variant.
Coding change: c.6247G>A on transcript NM_001378457.1 (MANE Select); coding-DNA position 6247, G replaced by A.
Protein change: p.Ala2083Thr; replaces alanine 2083 with threonine.
Molecular consequence: missense variant. On other transcripts: non-coding transcript variant (2).
Genome position (GRCh38, 1-based): chr15:51,480,859, C>T on the plus strand (G>A on the coding strand, the complement: DMXL2 is on the minus strand). VCF-style: chr15-51480859-C-T. GRCh37 (hg19) VCF-style: chr15-51773056-C-T.
Other names: c.6247G>A, p.Ala2083Thr (NM_001174116.3, NM_001378458.1, NM_001378459.1 and 4 more transcripts); c.4339G>A, p.Ala1447Thr (NM_001174117.3); c.4228G>A, p.Ala1410Thr (NM_001378460.1); c.6007G>A, p.Ala2003Thr (NM_001378464.1); short protein forms A2003T, A2083T, A1447T, A1410T.
Identifiers: ClinVar variation 953072 (VCV000953072.10), dbSNP rs778580507, ClinGen allele CA7561671.
Genomic context (GRCh38, chr15:51,480,859, plus strand): 5'-AATATGTCTTACTGGAATACTCTTTAATAACTGATTCATGATTACATATCTCATGCAAGG[C>T]AGCAATTTCCTTTTCAAGCCAGTTATAGAGTTGAAATCTGAGTTTTCCTCCATCTACTTC-3'
Protein context (NP_001365386.1, residues 2073-2093): LYNWLEKEIA[Ala2083Thr]LHEICNHESV